The following is an entry in ClinVar:

ClinVar aggregate classification (germline): Uncertain significance (1 of 4 stars; one submission).

Conditions:
Hereditary cancer-predisposing syndrome. Also called: Hereditary neoplastic syndrome; Neoplastic Syndromes, Hereditary; Tumor predisposition; Hereditary Cancer Syndrome. Identifiers: Orphanet 140162, MedGen C0027672, MeSH D009386, MONDO:0015356.

Submission:

Ambry Genetics
Classification: Uncertain significance for Hereditary cancer-predisposing syndrome. Last evaluated: 2025-05-24. Review status: criteria provided, single submitter. Criteria: Ambry Variant Classification Scheme 2023. Collection method: clinical testing. Allele origin: germline.
Comment: The p.K2413E variant (also known as c.7237A>G), located in coding exon 48 of the ATM gene, results from an A to G substitution at nucleotide position 7237. The lysine at codon 2413 is replaced by glutamic acid, an amino acid with similar properties. This amino acid position is highly conserved in available vertebrate species. In addition, this alteration is predicted to be deleterious by in silico analysis. Since supporting evidence is limited at this time, the clinical significance of this alteration remains unclear.

NM_000051.4(ATM):c.7237A>G (p.Lys2413Glu)

Genes: ATM (ATM serine/threonine kinase; plus strand), C11orf65 (chromosome 11 open reading frame 65; minus strand). Cytogenetic location: 11q22.3.
Variant type: single nucleotide variant.
Coding change: c.7237A>G on transcript NM_000051.4 (MANE Select); coding-DNA position 7237, A replaced by G.
Protein change: p.Lys2413Glu; replaces lysine 2413 with glutamic acid.
Molecular consequence: missense variant. On other transcripts: intron variant (2).
Genome position (GRCh38, 1-based): chr11:108,329,168, A>G. VCF-style: chr11-108329168-A-G. GRCh37 (hg19) VCF-style: chr11-108199895-A-G.
Other names: c.7237A>G, p.Lys2413Glu (NM_001351834.2); c.641-20097T>C (NM_001330368.2); c.*38+6052T>C (NM_001351110.2); short protein forms K2413E.
Identifiers: ClinVar variation 1757836 (VCV001757836.3), dbSNP rs2136419606, ClinGen allele CA382559696.